The following is an entry in ClinVar:

NM_001278309.2(AKAP3):c.2103A>G (p.Gly701=)

Gene: AKAP3 (A-kinase anchoring protein 3; minus strand). Cytogenetic location: 12p13.32.
Variant type: single nucleotide variant.
Coding change: c.2103A>G on transcript NM_001278309.2 (MANE Select); coding-DNA position 2103, A replaced by G.
Protein change: p.Gly701=; no amino-acid change (glycine 701 retained).
Molecular consequence: synonymous variant.
Genome position (GRCh38, 1-based): chr12:4,626,799, T>C on the plus strand (A>G on the coding strand, the complement: AKAP3 is on the minus strand). VCF-style: chr12-4626799-T-C. GRCh37 (hg19) VCF-style: chr12-4735965-T-C.
Other names: c.2103A>G, p.Gly701= (NM_006422.4).
Identifiers: ClinVar variation 4821744 (VCV004821744.4).
Genomic context (GRCh38, chr12:4,626,799, plus strand): 5'-CTTGGCTGGTAAGCACTCATATAAACTATCTGGGAAGGCCGAAGTTAGCCTACTGGCATC[T>C]CCAGACTTGTCATCTCCCAGCTCTGCCAACGAAGCATCACAGGACTTAGCAATGATGACA-3'
Protein context (NP_001265238.2, residues 691-711): SLAELGDDKS[Gly701=]DASRLTSAFP

ClinVar aggregate classification (germline): Likely benign (1 of 4 stars; one submission).

Submission:

CeGaT Center for Human Genetics Tuebingen
Classification: Likely benign. Last evaluated: 2026-02-01. Review status: criteria provided, single submitter. Criteria: CeGaT Center For Human Genetics Tuebingen Variant Classification Criteria Version 2. Collection method: clinical testing. Allele origin: germline. Affected: yes. Observed: 1 variant allele.
Comment: AKAP3: PM2:Supporting, BP4, BP7